The following is an entry in ClinVar:

ClinVar aggregate classification (germline): Likely pathogenic (1 of 4 stars; one submission).

Conditions:
Mucopolysaccharidosis, MPS-III-A (MPS3A). Also called: HEPARAN SULFATE SULFATASE DEFICIENCY; SANFILIPPO SYNDROME A; SULFAMIDASE DEFICIENCY; MPS III A; MUCOPOLYSACCHARIDOSIS, TYPE IIIA, ATTENUATED; Mucopolysaccharidosis type IIIA (Sanfilippo A). Identifiers: Orphanet 581, Orphanet 79269, MedGen C0086647, MONDO:0009655, OMIM 252900.

Submission:

Women's Health and Genetics/Laboratory Corporation of America, LabCorp
Classification: Likely pathogenic for Mucopolysaccharidosis, MPS-III-A. Last evaluated: 2025-09-03. Review status: criteria provided, single submitter. Criteria: LabCorp Variant Classification Summary - May 2015. Collection method: clinical testing. Allele origin: germline.
Comment: Variant summary: SGSH c.1456G>T (p.Val486Phe) results in a non-conservative amino acid change in the encoded protein sequence. Algorithms developed to predict the effect of missense changes on protein structure and function all suggest that this variant is likely to be disruptive. The variant was absent in 240734 control chromosomes (gnomAD). c.1456G>T has been observed in individuals affected with Mucopolysaccharidosis, MPS-III-A (Beesley_2000). These data indicate that the variant is likely to be associated with disease. To our knowledge, no experimental evidence demonstrating an impact on protein function has been reported. The following publication has been ascertained in the context of this evaluation (PMID: 11182930). No submitters have cited clinical-significance assessments for this variant to ClinVar. Based on the evidence outlined above, the variant was classified as likely pathogenic.

Literature cited by the submitters: PubMed 11182930.

NM_000199.5(SGSH):c.1456G>T (p.Val486Phe)

Gene: SGSH (N-sulfoglucosamine sulfohydrolase; minus strand). Cytogenetic location: 17q25.3.
Variant type: single nucleotide variant.
Coding change: c.1456G>T on transcript NM_000199.5 (MANE Select); coding-DNA position 1456, G replaced by T.
Protein change: p.Val486Phe; replaces valine 486 with phenylalanine.
Molecular consequence: missense variant. On other transcripts: 3 prime UTR variant (2), non-coding transcript variant (1).
Genome position (GRCh38, 1-based): chr17:80,210,505, C>A on the plus strand (G>T on the coding strand, the complement: SGSH is on the minus strand). VCF-style: chr17-80210505-C-A. GRCh37 (hg19) VCF-style: chr17-78184304-C-A.
Other names: c.*543G>T (NM_001352921.3); c.*506G>T (NM_001352922.2); short protein forms V486F.
Identifiers: ClinVar variation 4535841 (VCV004535841.1).